The following is an entry in ClinVar:

NM_006218.4(PIK3CA):c.1504C>G (p.Arg502Gly)

Gene: PIK3CA (phosphatidylinositol-4,5-bisphosphate 3-kinase catalytic subunit alpha; plus strand). Cytogenetic location: 3q26.32.
Variant type: single nucleotide variant.
Coding change: c.1504C>G on transcript NM_006218.4 (MANE Select); coding-DNA position 1504, C replaced by G.
Protein change: p.Arg502Gly; replaces arginine 502 with glycine.
Molecular consequence: missense variant.
Genome position (GRCh38, 1-based): chr3:179,210,530, C>G. VCF-style: chr3-179210530-C-G. GRCh37 (hg19) VCF-style: chr3-178928318-C-G.
Other names: short protein forms R502G.
Identifiers: ClinVar variation 1774060 (VCV001774060.2), dbSNP rs1724683795, ClinGen allele CA355262729.

ClinVar aggregate classification (germline): Uncertain significance (1 of 4 stars; one submission).

Conditions:
Inborn genetic diseases. Identifiers: MedGen C0950123, MeSH D030342.

Allele frequency attached by ClinVar (database versions not stated): gnomAD exomes below 0.00001.
gnomAD v4.1: 3 of 1,613,666 alleles (0.00019%); highest among the groups gnomAD compares: South Asian, 0.0022%; no homozygotes.

Submission:

Ambry Genetics
Classification: Uncertain significance for Inborn genetic diseases. Last evaluated: 2022-07-01. Review status: criteria provided, single submitter. Criteria: Ambry Variant Classification Scheme 2023. Collection method: clinical testing. Allele origin: germline.
Comment: The p.R502G variant (also known as c.1504C>G), located in coding exon 8 of the PIK3CA gene, results from a C to G substitution at nucleotide position 1504. The arginine at codon 502 is replaced by glycine, an amino acid with dissimilar properties. This amino acid position is conserved. In addition, this alteration is predicted to be deleterious by in silico analysis. Since supporting evidence is limited at this time, the clinical significance of this alteration remains unclear.